The following is an entry in ClinVar:

Conditions:
Long QT syndrome 5 (LQT5). Identifiers: Orphanet 101016, Orphanet 768, MedGen C1867904, MONDO:0013372, OMIM 613695.

Submission:

Roden Lab, Vanderbilt University Medical Center
No classification provided (evidence only). Condition: Long QT syndrome 5. Review status: no classification provided. Collection method: in vitro. Allele origin: not applicable. Functional consequence: Effect on ion channel function.
ClinVar note: "not provided" was previously submitted as the classification for the variant. However, the classification appeared to be based only on an observation of functional data so it was converted to no classification on 2025-07-30.

NM_000219.6(KCNE1):c.62T>A (p.Val21Asp)

Gene: KCNE1 (potassium voltage-gated channel subfamily E regulatory subunit 1; minus strand). Cytogenetic location: 21q22.12.
Variant type: single nucleotide variant.
Coding change: c.62T>A on transcript NM_000219.6 (MANE Select); coding-DNA position 62, T replaced by A.
Protein change: p.Val21Asp; replaces valine 21 with aspartic acid.
Molecular consequence: missense variant.
Genome position (GRCh38, 1-based): chr21:34,449,573, A>T on the plus strand (T>A on the coding strand, the complement: KCNE1 is on the minus strand). VCF-style: chr21-34449573-A-T. GRCh37 (hg19) VCF-style: chr21-35821871-A-T.
Other names: c.62T>A, p.Val21Asp (NM_001127668.4, NM_001127669.4, NM_001127670.4 and 4 more transcripts); short protein forms V21D.
Identifiers: ClinVar variation 3373940 (VCV003373940.2).